The following is an entry in ClinVar:

NM_017882.3(CLN6):c.728C>T (p.Ala243Val)

Gene: CLN6 (CLN6 transmembrane ER protein; minus strand). Cytogenetic location: 15q23.
Variant type: single nucleotide variant.
Coding change: c.728C>T on transcript NM_017882.3 (MANE Select); coding-DNA position 728, C replaced by T.
Protein change: p.Ala243Val; replaces alanine 243 with valine.
Molecular consequence: missense variant.
Genome position (GRCh38, 1-based): chr15:68,208,348, G>A on the plus strand (C>T on the coding strand, the complement: CLN6 is on the minus strand). VCF-style: chr15-68208348-G-A. GRCh37 (hg19) VCF-style: chr15-68500686-G-A.
Other names: p.A243V:GCC>GTC; short protein forms A243V.
Identifiers: ClinVar variation 205174 (VCV000205174.13), dbSNP rs767164948, ClinGen allele CA313976.

ClinVar aggregate classification (germline): Uncertain significance. Review status: criteria provided, multiple submitters, no conflicts (2 of 4 stars). 7 submissions from 7 submitters: Uncertain significance (6). 1 of the submissions does not count toward it. Last evaluated 2024-10-13.

Conditions:
Ceroid lipofuscinosis, neuronal, 6A. Also called: CLN6-Related Neuronal Ceroid-Lipofuscinosis; Neuronal ceroid lipofuscinosis, late infantile, variant; Neuronal ceroid lipofuscinosis, Gypsy/Indian early juvenile variant; Neuronal ceroid lipofuscinosis 6. Identifiers: Orphanet 168491, Orphanet 228363, MedGen C5551375, MONDO:0011144, OMIM 601780.
Ceroid lipofuscinosis, neuronal, 6B (Kufs type). Also called: Neuronal ceroid lipofuscinosis 4A. Identifiers: Orphanet 700477, MedGen C5561927, MONDO:0008768, OMIM 204300.
Inborn genetic diseases. Identifiers: MedGen C0950123, MeSH D030342.
Neuronal ceroid lipofuscinosis. Also called: Neuronal Ceroid Lipofuscinoses. Identifiers: Orphanet 216, Orphanet 79263, MedGen C0027877, MONDO:0016295. Disease mechanism: loss of function.

Allele frequency attached by ClinVar (database versions not stated): ExAC 0.00002; gnomAD exomes 0.00002; gnomAD 0.00005 and 0.00006; TOPMed 0.00006; 1000 Genomes Project 30x 0.00016.
gnomAD v4.1: 240 of 1,613,992 alleles (0.015%); highest among the groups gnomAD compares: Non-Finnish European, 0.019%; no homozygotes.

Submissions (7):

Ambry Genetics
Classification: Uncertain significance for Inborn genetic diseases. Last evaluated: 2024-10-13. Review status: criteria provided, single submitter. Criteria: Ambry Variant Classification Scheme 2023. Collection method: clinical testing. Allele origin: germline.

ARUP Laboratories, Molecular Genetics and Genomics, ARUP Laboratories
Classification: Uncertain significance. Last evaluated: 2023-09-15. Review status: criteria provided, single submitter. Criteria: ARUP Molecular Germline Variant Investigation Process 2024. Collection method: clinical testing. Allele origin: germline.
Comment: The CLN6 c.728C>T; p.Ala243Val variant (rs767164948) is reported in the literature in two individuals affected with neuronal ceroid lipofuscinosis (Di Fruscio 2015). This variant is also reported in ClinVar (Variation ID: 205174) and is found in the non-Finnish European population with an allele frequency of 0.005% (6/128900 alleles) in the Genome Aggregation Database. Computational analyses predict that this variant is deleterious (REVEL: 0.765). However, given the lack of clinical and functional data, the significance of this variant is uncertain at this time. References: Di Fruscio G et al. Lysoplex: An efficient toolkit to detect DNA sequence variations in the autophagy-lysosomal pathway. Autophagy. 2015;11(6):928-38. PMID: 26075876.

Women's Health and Genetics/Laboratory Corporation of America, LabCorp
Classification: Uncertain significance. Last evaluated: 2023-09-05. Review status: criteria provided, single submitter. Criteria: LabCorp Variant Classification Summary - May 2015. Collection method: clinical testing. Allele origin: germline.
Comment: Variant summary: CLN6 c.728C>T (p.Ala243Val) results in a non-conservative amino acid change in the encoded protein sequence. Four of five in-silico tools predict a damaging effect of the variant on protein function. The variant allele was found at a frequency of 2e-05 in 251116 control chromosomes (gnomAD). The available data on variant occurrences in the general population are insufficient to allow any conclusion about variant significance. c.728C>T has been reported in the literature in the heterozygous state in two individuals with clinical features of Neuronal Ceroid-Lipofuscinosis, with no second variant detected (Di Fruscio_2015). This report does not provide unequivocal conclusions about association of the variant with Neuronal Ceroid-Lipofuscinosis (Batten Disease). To our knowledge, no experimental evidence demonstrating an impact on protein function has been reported. The following publication has been ascertained in the context of this evaluation (PMID: 26075876). Four submitters have cited clinical-significance assessments for this variant to ClinVar after 2014. All submitters classified the variant as uncertain significance. Based on the evidence outlined above, the variant was classified as uncertain significance.

Labcorp Genetics (formerly Invitae), Labcorp
Classification: Uncertain significance for Neuronal ceroid lipofuscinosis. Last evaluated: 2022-07-19. Review status: criteria provided, single submitter. Criteria: Invitae Variant Classification Sherloc (09022015). Collection method: clinical testing. Allele origin: germline.
Comment: This sequence change replaces alanine, which is neutral and non-polar, with valine, which is neutral and non-polar, at codon 243 of the CLN6 protein (p.Ala243Val). The frequency data for this variant in the population databases is considered unreliable, as metrics indicate poor data quality at this position in the gnomAD database. This missense change has been observed in individual(s) with neuronal ceroid lipofuscinosis (PMID: 26075876). ClinVar contains an entry for this variant (Variation ID: 205174). Algorithms developed to predict the effect of missense changes on protein structure and function are either unavailable or do not agree on the potential impact of this missense change (SIFT: "Deleterious"; PolyPhen-2: "Probably Damaging"; Align-GVGD: "Class C0"). In summary, the available evidence is currently insufficient to determine the role of this variant in disease. Therefore, it has been classified as a Variant of Uncertain Significance.

Fulgent Genetics
Classification: Uncertain significance for Ceroid lipofuscinosis, neuronal, 6B (Kufs type); Ceroid lipofuscinosis, neuronal, 6A. Last evaluated: 2022-05-03. Review status: criteria provided, single submitter. Criteria: ACMG Guidelines, 2015. Collection method: clinical testing. Allele origin: unknown.

GeneDx
Classification: Uncertain significance. Last evaluated: 2018-06-25. Review status: criteria provided, single submitter. Criteria: GeneDx Variant Classification (06012015). Collection method: clinical testing. Allele origin: germline. Affected: yes.
Comment: A variant of uncertain significance has been identified in the CLN6 gene. The A243V variant has been reported in two individuals with neuronal ceroid lipofuscinosis who were heterozygous for this change; however, a second CLN6 variant was not detected and information regarding parental testing was not provided (Di Fruscio et al., 2015). The A243V variant is not observed at a significant frequency in large population cohorts (Lek et al., 2016). The A243V variant is a conservative amino acid substitution, which is not likely to impact secondary protein structure as these residues share similar properties. In-silico analyses, including protein predictors and evolutionary conservation, support a deleterious effect. Therefore, based on the currently available information, it is unclear whether this variant is a pathogenic variant or a rare benign variant.

Counsyl
Classification: Uncertain significance for Ceroid lipofuscinosis, neuronal, 6A. Last evaluated: 2017-02-17. Review status: no assertion criteria provided. Collection method: clinical testing. Allele origin: unknown. Not counted in ClinVar's aggregate classification.

Literature cited by the submitters: PubMed 26075876 (cited by 4 submitters).